The following is an entry in ClinVar:

ClinVar aggregate classification (germline): Conflicting classifications of pathogenicity. Review status: criteria provided, conflicting classifications (1 of 4 stars). 3 submissions from 3 submitters: Uncertain significance (1); Likely benign (1). 1 of the submissions does not count toward it. Last evaluated 2026-01-15.

Conditions:
NALCN-related disorder. Also called: NALCN-related condition; NALCN-related disorders.

Allele frequency attached by ClinVar (database versions not stated): TOPMed 0.00015.
gnomAD v4.1: 68 of 1,613,950 alleles (0.0042%); highest among the groups gnomAD compares: Admixed American, 0.11%; no homozygotes.

Submissions (3):

Labcorp Genetics (formerly Invitae), Labcorp
Classification: Likely benign. Last evaluated: 2026-01-15. Review status: criteria provided, single submitter. Criteria: Invitae Variant Classification Sherloc (09022015). Collection method: clinical testing. Allele origin: germline.

GeneDx
Classification: Uncertain significance. Last evaluated: 2021-11-22. Review status: criteria provided, single submitter. Criteria: GeneDx Variant Classification Process June 2021. Collection method: clinical testing. Allele origin: germline. Affected: yes.
Comment: In-silico analysis is inconclusive as to whether the variant alters gene splicing. In the absence of RNA/functional studies, the actual effect of this sequence change is unknown.; Has not been previously published as pathogenic or benign to our knowledge

PreventionGenetics, part of Exact Sciences
Classification: Likely benign for NALCN-related condition. Last evaluated: 2019-03-25. Review status: no assertion criteria provided. Collection method: clinical testing. Allele origin: germline. Not counted in ClinVar's aggregate classification.
Comment: This variant is classified as likely benign based on ACMG/AMP sequence variant interpretation guidelines (Richards et al. 2015 PMID: 25741868, with internal and published modifications).

NM_052867.4(NALCN):c.3852C>A (p.Gly1284=)

Gene: NALCN (sodium leak channel, non-selective; minus strand). Cytogenetic location: 13q32.3.
Variant type: single nucleotide variant.
Coding change: c.3852C>A on transcript NM_052867.4 (MANE Select); coding-DNA position 3852, C replaced by A.
Protein change: p.Gly1284=; no amino-acid change (glycine 1284 retained).
Molecular consequence: synonymous variant.
Genome position (GRCh38, 1-based): chr13:101,081,560, G>T on the plus strand (C>A on the coding strand, the complement: NALCN is on the minus strand). VCF-style: chr13-101081560-G-T. GRCh37 (hg19) VCF-style: chr13-101733911-G-T.
Other names: c.3939C>A, p.Gly1313= (NM_001350748.2); c.3852C>A, p.Gly1284= (NM_001350749.2); c.3765C>A, p.Gly1255= (NM_001350750.2, NM_001350751.2).
Identifiers: ClinVar variation 706628 (VCV000706628.14), dbSNP rs772803115, ClinGen allele CA7035278.